The following is an entry in ClinVar:

ClinVar aggregate classification (germline): Uncertain significance (1 of 4 stars; one submission).

Conditions:
Candidiasis, familial, 8 (CANDF8). Identifiers: Orphanet 1334, MedGen C3714992, MONDO:0014230, OMIM 615527.

gnomAD v4.1: 6 of 1,614,016 alleles (0.00037%); highest among the groups gnomAD compares: South Asian, 0.0033%; no homozygotes.

Submission:

Labcorp Genetics (formerly Invitae), Labcorp
Classification: Uncertain significance for Candidiasis, familial, 8. Last evaluated: 2024-04-06. Review status: criteria provided, single submitter. Criteria: Invitae Variant Classification Sherloc (09022015). Collection method: clinical testing. Allele origin: germline.
Comment: This sequence change replaces methionine, which is neutral and non-polar, with valine, which is neutral and non-polar, at codon 413 of the TRAF3IP2 protein (p.Met413Val). This variant is present in population databases (rs774838745, gnomAD 0.006%). This variant has not been reported in the literature in individuals affected with TRAF3IP2-related conditions. Advanced modeling of protein sequence and biophysical properties (such as structural, functional, and spatial information, amino acid conservation, physicochemical variation, residue mobility, and thermodynamic stability) performed at Invitae indicates that this missense variant is not expected to disrupt TRAF3IP2 protein function with a negative predictive value of 80%. In summary, the available evidence is currently insufficient to determine the role of this variant in disease. Therefore, it has been classified as a Variant of Uncertain Significance.

NM_147686.4(TRAF3IP2):c.1237A>G (p.Met413Val)

Genes: TRAF3IP2 (TRAF3 interacting protein 2; minus strand), TRAF3IP2-AS1 (TRAF3IP2 antisense RNA 1; plus strand). Cytogenetic location: 6q21.
Variant type: single nucleotide variant.
Coding change: c.1237A>G on transcript NM_147686.4 (MANE Select); coding-DNA position 1237, A replaced by G.
Protein change: p.Met413Val; replaces methionine 413 with valine.
Molecular consequence: missense variant.
Genome position (GRCh38, 1-based): chr6:111,572,948, T>C on the plus strand (A>G on the coding strand, the complement: TRAF3IP2 is on the minus strand). VCF-style: chr6-111572948-T-C. GRCh37 (hg19) VCF-style: chr6-111894151-T-C.
Other names: c.1237A>G, p.Met413Val (NM_001164281.3); c.1264A>G, p.Met422Val (NM_147200.3); short protein forms M413V, M422V.
Identifiers: ClinVar variation 3641426 (VCV003641426.1).